The following is an entry in ClinVar:

NM_000553.6(WRN):c.1702G>A (p.Val568Ile)

Gene: WRN (WRN RecQ like helicase; plus strand). Cytogenetic location: 8p12.
Variant type: single nucleotide variant.
Coding change: c.1702G>A on transcript NM_000553.6 (MANE Select); coding-DNA position 1702, G replaced by A.
Protein change: p.Val568Ile; replaces valine 568 with isoleucine.
Molecular consequence: missense variant.
Genome position (GRCh38, 1-based): chr8:31,090,514, G>A. VCF-style: chr8-31090514-G-A. GRCh37 (hg19) VCF-style: chr8-30948030-G-A.
Other names: short protein forms V568I.
Identifiers: ClinVar variation 2046467 (VCV002046467.4), dbSNP rs2535930396, ClinGen allele CA370927051.

ClinVar aggregate classification (germline): Uncertain significance (1 of 4 stars; one submission).

Conditions:
Werner syndrome (WRN). Identifiers: Orphanet 902, MedGen C0043119, MONDO:0010196, OMIM 277700.

Allele frequency attached by ClinVar (database versions not stated): gnomAD exomes below 0.00001.
gnomAD v4.1: 1 of 1,612,218 alleles (0.000062%); highest among the groups gnomAD compares: Non-Finnish European, 0.000085%; no homozygotes.

Submission:

Labcorp Genetics (formerly Invitae), Labcorp
Classification: Uncertain significance for Werner syndrome. Last evaluated: 2024-03-12. Review status: criteria provided, single submitter. Criteria: Invitae Variant Classification Sherloc (09022015). Collection method: clinical testing. Allele origin: germline.
Comment: This sequence change replaces valine, which is neutral and non-polar, with isoleucine, which is neutral and non-polar, at codon 568 of the WRN protein (p.Val568Ile). This variant is not present in population databases (gnomAD no frequency). This variant has not been reported in the literature in individuals affected with WRN-related conditions. ClinVar contains an entry for this variant (Variation ID: 2046467). An algorithm developed to predict the effect of missense changes on protein structure and function (PolyPhen-2) suggests that this variant is likely to be disruptive. In summary, the available evidence is currently insufficient to determine the role of this variant in disease. Therefore, it has been classified as a Variant of Uncertain Significance.